The following is an entry in ClinVar:

ClinVar aggregate classification (germline): Uncertain significance (1 of 4 stars; one submission).

Submission:

Labcorp Genetics (formerly Invitae), Labcorp
Classification: Uncertain significance. Last evaluated: 2024-09-04. Review status: criteria provided, single submitter. Criteria: Invitae Variant Classification Sherloc (09022015). Collection method: clinical testing. Allele origin: germline.
Comment: This sequence change replaces valine, which is neutral and non-polar, with alanine, which is neutral and non-polar, at codon 339 of the MAST1 protein (p.Val339Ala). This variant is not present in population databases (gnomAD no frequency). This variant has not been reported in the literature in individuals affected with MAST1-related conditions. An algorithm developed to predict the effect of missense changes on protein structure and function outputs the following: PolyPhen-2: "Benign". The alanine amino acid residue is found in multiple mammalian species, which suggests that this missense change does not adversely affect protein function. In summary, the available evidence is currently insufficient to determine the role of this variant in disease. Therefore, it has been classified as a Variant of Uncertain Significance.

NM_014975.3(MAST1):c.1016T>C (p.Val339Ala)

Gene: MAST1 (microtubule associated serine/threonine kinase 1; plus strand). Cytogenetic location: 19p13.13.
Variant type: single nucleotide variant.
Coding change: c.1016T>C on transcript NM_014975.3 (MANE Select); coding-DNA position 1016, T replaced by C.
Protein change: p.Val339Ala; replaces valine 339 with alanine.
Molecular consequence: missense variant.
Genome position (GRCh38, 1-based): chr19:12,852,334, T>C. VCF-style: chr19-12852334-T-C. GRCh37 (hg19) VCF-style: chr19-12963148-T-C.
Other names: short protein forms V339A.
Identifiers: ClinVar variation 3662962 (VCV003662962.2).
Genomic context (GRCh38, chr19:12,852,334, plus strand): 5'-TGGGGGTGAGCAGGCCCAGAACCCAGCTCGTGCTCACTCTCAGTCCCTCCCTAGATGTGG[T>C]GCATCTGGAGGAACAGGACAGTGGTGGTTCCAACACCCCTGAGCAAGACGATCTCTCTGA-3'
Protein context (NP_055790.1, residues 329-349): GLTRDPFPDV[Val339Ala]HLEEQDSGGS